The following is an entry in ClinVar:

NM_145199.3(LIPT1):c.806G>A (p.Trp269Ter)

Genes: LIPT1 (lipoyltransferase 1; plus strand), MITD1 (microtubule interacting and trafficking domain containing 1; minus strand). Cytogenetic location: 2q11.2.
Variant type: single nucleotide variant.
Coding change: c.806G>A on transcript NM_145199.3 (MANE Select); coding-DNA position 806, G replaced by A.
Protein change: p.Trp269Ter; replaces tryptophan 269 with a stop codon.
Molecular consequence: nonsense. On other transcripts: non-coding transcript variant (2).
Genome position (GRCh38, 1-based): chr2:99,162,763, G>A. VCF-style: chr2-99162763-G-A. GRCh37 (hg19) VCF-style: chr2-99779226-G-A.
Other names: c.806G>A, p.Trp269Ter (NM_001204830.2, NM_015929.4, NM_145197.3 and 1 more transcripts); c.806G>A (NM_001204830.1); short protein forms W269*.
Identifiers: ClinVar variation 242526 (VCV000242526.2), dbSNP rs863224892, ClinGen allele CA351276.

ClinVar aggregate classification (germline): Likely pathogenic (1 of 4 stars; one submission).

Conditions:
Lipoyl transferase 1 deficiency. Also called: Lipoyltransferase 1 deficiency. Identifiers: Orphanet 401862, MedGen C4225379, MONDO:0014576, OMIM 616299.

Submission:

Neuberg Centre For Genomic Medicine, NCGM
Classification: Likely pathogenic for Lipoyl transferase 1 deficiency. Review status: criteria provided, single submitter. Criteria: ACMG Guidelines, 2015. Collection method: clinical testing. Allele origin: germline. Inheritance: Autosomal recessive inheritance. Affected: yes.
Comment: The stop gained variant c.806G>A (p.Trp269Ter) in LIPT1 gene has not been reported previously as a pathogenic variant nor as a benign variant, to our knowledge. This variant has not been reported to the ClinVar database.The variant is novel (not in any individuals) in gnomAD Exomes and 1000 Genomes. The nucleotide change in LIPT1 is predicted as conserved by GERP++ and PhyloP across 100 vertebrates. For these reasons, this variant has been classified as Likely Pathogenic.